The following is an entry in ClinVar:

ClinVar aggregate classification (germline): Uncertain significance (1 of 4 stars; one submission).

Submission:

Labcorp Genetics (formerly Invitae), Labcorp
Classification: Uncertain significance. Last evaluated: 2022-06-26. Review status: criteria provided, single submitter. Criteria: Invitae Variant Classification Sherloc (09022015). Collection method: clinical testing. Allele origin: germline.
Comment: In summary, the available evidence is currently insufficient to determine the role of this variant in disease. Therefore, it has been classified as a Variant of Uncertain Significance. Algorithms developed to predict the effect of missense changes on protein structure and function are either unavailable or do not agree on the potential impact of this missense change (SIFT: "Tolerated"; PolyPhen-2: "Probably Damaging"; Align-GVGD: "Class C0"). This variant has not been reported in the literature in individuals affected with DNASE2-related conditions. This variant is not present in population databases (gnomAD no frequency). This sequence change replaces valine, which is neutral and non-polar, with alanine, which is neutral and non-polar, at codon 181 of the DNASE2 protein (p.Val181Ala).

NM_001375.3(DNASE2):c.542T>C (p.Val181Ala)

Gene: DNASE2 (deoxyribonuclease 2, lysosomal; minus strand). Cytogenetic location: 19p13.13.
Variant type: single nucleotide variant.
Coding change: c.542T>C on transcript NM_001375.3 (MANE Select); coding-DNA position 542, T replaced by C.
Protein change: p.Val181Ala; replaces valine 181 with alanine.
Molecular consequence: missense variant.
Genome position (GRCh38, 1-based): chr19:12,878,549, A>G on the plus strand (T>C on the coding strand, the complement: DNASE2 is on the minus strand). VCF-style: chr19-12878549-A-G. GRCh37 (hg19) VCF-style: chr19-12989363-A-G.
Other names: short protein forms V181A.
Identifiers: ClinVar variation 2110478 (VCV002110478.4), dbSNP rs2512549477, ClinGen allele CA404299173.